The following is an entry in ClinVar:

NM_182914.3(SYNE2):c.9554T>C (p.Ile3185Thr)

Gene: SYNE2 (spectrin repeat containing nuclear envelope protein 2; plus strand). Cytogenetic location: 14q23.2.
Variant type: single nucleotide variant.
Coding change: c.9554T>C on transcript NM_182914.3 (MANE Select); coding-DNA position 9554, T replaced by C.
Protein change: p.Ile3185Thr; replaces isoleucine 3185 with threonine.
Molecular consequence: missense variant.
Genome position (GRCh38, 1-based): chr14:64,053,467, T>C. VCF-style: chr14-64053467-T-C. GRCh37 (hg19) VCF-style: chr14-64520185-T-C.
Other names: c.9554T>C, p.Ile3185Thr (NM_015180.6); short protein forms I3185T.
Identifiers: ClinVar variation 2524824 (VCV002524824.5), dbSNP rs769011748, ClinGen allele CA7221285.

ClinVar aggregate classification (germline): Uncertain significance. Review status: criteria provided, multiple submitters, no conflicts (2 of 4 stars). 2 submissions from 2 submitters: Uncertain significance (2). Last evaluated 2023-10-17.

Conditions:
Emery-Dreifuss muscular dystrophy 5, autosomal dominant (EDMD5). Also called: EMERY-DREIFUSS MUSCULAR DYSTROPHY 5. Identifiers: Orphanet 261, MedGen C2751805, MONDO:0013072, OMIM 612999.

Allele frequency attached by ClinVar (database versions not stated): TOPMed below 0.00001; gnomAD 0.00001; gnomAD exomes 0.00001; ExAC 0.00003.
gnomAD v4.1: 11 of 1,613,902 alleles (0.00068%); highest among the groups gnomAD compares: South Asian, 0.0077%; no homozygotes.

Submissions (2):

Labcorp Genetics (formerly Invitae), Labcorp
Classification: Uncertain significance for Emery-Dreifuss muscular dystrophy 5, autosomal dominant. Last evaluated: 2023-10-17. Review status: criteria provided, single submitter. Criteria: Invitae Variant Classification Sherloc (09022015). Collection method: clinical testing. Allele origin: germline.
Comment: This sequence change replaces isoleucine, which is neutral and non-polar, with threonine, which is neutral and polar, at codon 3185 of the SYNE2 protein (p.Ile3185Thr). This variant is present in population databases (rs769011748, gnomAD 0.01%). This variant has not been reported in the literature in individuals affected with SYNE2-related conditions. ClinVar contains an entry for this variant (Variation ID: 2524824). An algorithm developed to predict the effect of missense changes on protein structure and function (PolyPhen-2) suggests that this variant is likely to be disruptive. In summary, the available evidence is currently insufficient to determine the role of this variant in disease. Therefore, it has been classified as a Variant of Uncertain Significance.

Ambry Genetics
Classification: Uncertain significance. Last evaluated: 2023-03-27. Review status: criteria provided, single submitter. Criteria: Ambry Variant Classification Scheme 2023. Collection method: clinical testing. Allele origin: germline.